The following is an entry in ClinVar:

NM_024700.4(SNIP1):c.261AAG[1] (p.Arg88del)

Gene: SNIP1 (Smad nuclear interacting protein 1; minus strand). Cytogenetic location: 1p34.3.
Variant type: Microsatellite.
Coding change: c.261AAG[1] on transcript NM_024700.4 (MANE Select); one copy of the 3-base unit AAG starting at c.261; the reference has two copies in a row; one copy, 3 bases deleted.
Protein change: p.Arg88del; deletes arginine 88.
Molecular consequence: inframe deletion.
Genome position (GRCh38, 1-based): chr1:37,552,706-37,552,708, CTT deleted on the plus strand (AAG on the coding strand, the reverse complement: SNIP1 is on the minus strand); deleting any 3 consecutive bases within chr1:37,552,706-37,552,713 gives the same sequence; the position shown is the placement nearest the transcript's 3' end. VCF-style (leftmost placement, unchanged base first): chr1-37552705-GCTT-G. GRCh37 (hg19) VCF-style: chr1-38018306-GCTT-G.
Other names: short protein forms R88del.
Identifiers: ClinVar variation 1391207 (VCV001391207.6), dbSNP rs745993890, ClinGen allele CA771389.

ClinVar aggregate classification (germline): Uncertain significance (1 of 4 stars; one submission).

Submission:

Labcorp Genetics (formerly Invitae), Labcorp
Classification: Uncertain significance. Last evaluated: 2025-09-21. Review status: criteria provided, single submitter. Criteria: Invitae Variant Classification Sherloc (09022015). Collection method: clinical testing. Allele origin: germline.
Comment: This variant, c.264_266del, results in the deletion of 1 amino acid(s) of the SNIP1 protein (p.Arg88del), but otherwise preserves the integrity of the reading frame. This variant is present in population databases (rs745993890, gnomAD 0.006%). This variant has not been reported in the literature in individuals affected with SNIP1-related conditions. Experimental studies and prediction algorithms are not available or were not evaluated, and the functional significance of this variant is currently unknown. In summary, the available evidence is currently insufficient to determine the role of this variant in disease. Therefore, it has been classified as a Variant of Uncertain Significance.